The following is an entry in ClinVar:

ClinVar aggregate classification (germline): Uncertain significance (1 of 4 stars; one submission).

Submission:

GeneDx
Classification: Uncertain significance. Last evaluated: 2024-01-24. Review status: criteria provided, single submitter. Criteria: GeneDx Variant Classification Process June 2021. Collection method: clinical testing. Allele origin: germline. Affected: yes.
Comment: Not observed at significant frequency in large population cohorts (gnomAD); In silico analysis supports that this missense variant has a deleterious effect on protein structure/function; Has not been previously published as pathogenic or benign to our knowledge

NM_152296.5(ATP1A3):c.2838C>G (p.Phe946Leu)

Gene: ATP1A3 (ATPase Na+/K+ transporting subunit alpha 3; minus strand). Cytogenetic location: 19q13.2.
Variant type: single nucleotide variant.
Coding change: c.2838C>G on transcript NM_152296.5 (MANE Select); coding-DNA position 2838, C replaced by G.
Protein change: p.Phe946Leu; replaces phenylalanine 946 with leucine.
Molecular consequence: missense variant.
Genome position (GRCh38, 1-based): chr19:41,967,745, G>C on the plus strand (C>G on the coding strand, the complement: ATP1A3 is on the minus strand). VCF-style: chr19-41967745-G-C. GRCh37 (hg19) VCF-style: chr19-42471897-G-C.
Other names: c.2871C>G, p.Phe957Leu (NM_001256213.2); c.2877C>G, p.Phe959Leu (NM_001256214.2); short protein forms F946L, F957L, F959L.
Identifiers: ClinVar variation 3340874 (VCV003340874.1).
Genomic context (GRCh38, chr19:41,967,745, plus strand): 5'-CACGTCCATGCCGGGGCAGTAGGACAGGAAGGCAGCCAGGGCCGTCTCCTCAAACAGCCC[G>C]AAGATCAGGATCTTGTTCCTGGAGGCACAGAAGGGCAGGGCTGGGCCCAGAGAGCACCCA-3'
Protein context (NP_689509.1, residues 936-956): QQGMKNKILI[Phe946Leu]GLFEETALAA